The following is an entry in ClinVar:

NM_138694.4(PKHD1):c.11785+1G>T

Gene: PKHD1 (PKHD1 ciliary IPT domain containing fibrocystin/polyductin; minus strand). Cytogenetic location: 6p12.3.
Variant type: single nucleotide variant.
Coding change: c.11785+1G>T on transcript NM_138694.4 (MANE Select); the canonical splice donor site of the intron after coding-DNA position 11785, G replaced by T.
Molecular consequence: splice donor variant.
Genome position (GRCh38, 1-based): chr6:51,626,996, C>A on the plus strand (G>T on the coding strand, the complement: PKHD1 is on the minus strand). VCF-style: chr6-51626996-C-A. GRCh37 (hg19) VCF-style: chr6-51491794-C-A.
Identifiers: ClinVar variation 555060 (VCV000555060.6), dbSNP rs1488844530, ClinGen allele CA364418276.

ClinVar aggregate classification (germline): Conflicting classifications of pathogenicity. Review status: criteria provided, conflicting classifications (1 of 4 stars). 3 submissions from 3 submitters: Pathogenic (1); Uncertain significance (1). 1 of the submissions does not count toward it. Last evaluated 2025-04-17.

Conditions:
Polycystic kidney disease 4 (PKD4). Also called: POLYCYSTIC KIDNEY DISEASE 4 WITH OR WITHOUT POLYCYSTIC LIVER DISEASE; Autosomal Recessive Polycystic Kidney Disease – PKHD1; POLYCYSTIC KIDNEY AND HEPATIC DISEASE 1; POLYCYSTIC KIDNEY DISEASE, INFANTILE, TYPE I; PKD3. Identifiers: MedGen C4540575, MONDO:0033004, OMIM 263200.
Autosomal recessive polycystic kidney disease (ARPKD). Also called: AR polycystic kidney disease. Identifiers: Orphanet 731, Orphanet 8378, MedGen C0085548, MeSH D017044, MONDO:0009889.

Allele frequency attached by ClinVar (database versions not stated): gnomAD exomes below 0.00001; TOPMed 0.00002.
gnomAD v4.1: 1 of 1,613,270 alleles (0.000062%); highest among the groups gnomAD compares: East Asian, 0.0022%; no homozygotes.

Submissions (3):

Labcorp Genetics (formerly Invitae), Labcorp
Classification: Pathogenic for Autosomal recessive polycystic kidney disease. Last evaluated: 2025-04-17. Review status: criteria provided, single submitter. Criteria: Invitae Variant Classification Sherloc (09022015). Collection method: clinical testing. Allele origin: germline.
Comment: This sequence change affects a donor splice site in intron 66 of the PKHD1 gene. While this variant is not anticipated to result in nonsense mediated decay, it likely alters RNA splicing and results in a disrupted protein product. This variant is present in population databases (no rsID available, gnomAD 0.006%). This variant has not been reported in the literature in individuals affected with PKHD1-related conditions. ClinVar contains an entry for this variant (Variation ID: 555060). Variants that disrupt the consensus splice site are a relatively common cause of aberrant splicing (PMID: 17576681, 9536098). Algorithms developed to predict the effect of sequence changes on RNA splicing suggest that this variant may disrupt the consensus splice site. This variant disrupts a region of the PKHD1 protein in which other variant(s) (p.Arg3961*) have been determined to be pathogenic (PMID: 33940108; internal data). This suggests that this is a clinically significant region of the protein, and that variants that disrupt it are likely to be disease-causing. For these reasons, this variant has been classified as Pathogenic.

Blueprint Genetics
Classification: Uncertain significance. Last evaluated: 2023-03-03. Review status: criteria provided, single submitter. Criteria: ACMG Guidelines, 2015. Collection method: clinical testing. Allele origin: germline.

Counsyl
Classification: Likely pathogenic for Polycystic kidney disease 4. Last evaluated: 2017-11-13. Review status: no assertion criteria provided. Collection method: clinical testing. Allele origin: unknown. Not counted in ClinVar's aggregate classification.

Literature cited by the submitters: PubMed 17576681 (cited by Labcorp Genetics (formerly Invitae), Labcorp); PubMed 9536098 (cited by Labcorp Genetics (formerly Invitae), Labcorp); PubMed 33940108 (cited by Labcorp Genetics (formerly Invitae), Labcorp).